The following is an entry in ClinVar:

NM_000287.4(PEX6):c.2733C>T (p.Gly911=)

Gene: PEX6 (peroxisomal biogenesis factor 6; minus strand). Cytogenetic location: 6p21.1.
Variant type: single nucleotide variant.
Coding change: c.2733C>T on transcript NM_000287.4 (MANE Select); coding-DNA position 2733, C replaced by T.
Protein change: p.Gly911=; no amino-acid change (glycine 911 retained).
Molecular consequence: synonymous variant. On other transcripts: non-coding transcript variant (1).
Genome position (GRCh38, 1-based): chr6:42,964,863, G>A on the plus strand (C>T on the coding strand, the complement: PEX6 is on the minus strand). VCF-style: chr6-42964863-G-A. GRCh37 (hg19) VCF-style: chr6-42932601-G-A.
Other names: c.2469C>T, p.Gly823= (NM_001316313.2); c.2733C>T (NM_000287.3).
Identifiers: ClinVar variation 4809122 (VCV004809122.2).

ClinVar aggregate classification (germline): Likely benign. Review status: criteria provided, multiple submitters, no conflicts (2 of 4 stars). 2 submissions from 2 submitters: Likely benign (2). Last evaluated 2025-10-07.

Conditions:
PEX6-related disorder. Also called: PEX6-related disorders; PEX6-related condition.
Peroxisome biogenesis disorder. Identifiers: Orphanet 79189, MedGen C1832200, MONDO:0019234. Disease mechanism: loss of function.

Submissions (2):

Labcorp Genetics (formerly Invitae), Labcorp
Classification: Likely benign for Peroxisome biogenesis disorder. Last evaluated: 2025-10-07. Review status: criteria provided, single submitter. Criteria: Invitae Variant Classification Sherloc (09022015). Collection method: clinical testing. Allele origin: germline.

PreventionGenetics, part of Exact Sciences
Classification: Likely benign for PEX6-related condition. Last evaluated: 2025-06-12. Review status: criteria provided, single submitter. Criteria: ACMG Guidelines, 2015. Collection method: clinical testing. Allele origin: germline.
Comment: This variant is classified as likely benign based on ACMG/AMP sequence variant interpretation guidelines (Richards et al. 2015 PMID: 25741868, with internal and published modifications).